The following is an entry in ClinVar:

NM_005726.6(TSFM):c.30T>C (p.Phe10=)

Gene: TSFM (Ts translation elongation factor, mitochondrial; plus strand). Cytogenetic location: 12q14.1.
Variant type: single nucleotide variant.
Coding change: c.30T>C on transcript NM_005726.6 (MANE Select); coding-DNA position 30, T replaced by C.
Protein change: p.Phe10=; no amino-acid change (phenylalanine 10 retained).
Molecular consequence: synonymous variant.
Genome position (GRCh38, 1-based): chr12:57,782,831, T>C. VCF-style: chr12-57782831-T-C. GRCh37 (hg19) VCF-style: chr12-58176614-T-C.
Other names: c.30T>C, p.Phe10= (NM_001172695.2, NM_001172696.2, NM_001172697.2).
Identifiers: ClinVar variation 310006 (VCV000310006.28), dbSNP rs10747783, ClinGen allele CA6659182.

ClinVar aggregate classification (germline): Benign. Review status: criteria provided, multiple submitters, no conflicts (2 of 4 stars). 8 submissions from 8 submitters: Benign (6). 2 of the submissions do not count toward it. Last evaluated 2026-02-04.

Conditions:
Fatal mitochondrial disease due to combined oxidative phosphorylation defect type 3. Also called: Combined oxidative phosphorylation deficiency 3; ENCEPHALOMYOPATHY, RESPIRATORY FAILURE, AND LACTIC ACIDOSIS. Identifiers: Orphanet 168566, MedGen C1864840, MONDO:0012512, OMIM 610505.

Allele frequency attached by ClinVar (database versions not stated): ESP Exome Variant Server 0.24665; TOPMed 0.25734; gnomAD 0.26055 and 0.27703; gnomAD exomes 0.34519 and 0.36772; 1000 Genomes Project 30x 0.35041; 1000 Genomes Project 0.36302; ExAC 0.46744.
gnomAD v4.1: 539,274 of 1,594,138 alleles (34%); highest among the groups gnomAD compares: East Asian, 70%; 99,343 homozygotes.

Submissions (8):

Labcorp Genetics (formerly Invitae), Labcorp
Classification: Benign. Last evaluated: 2026-02-04. Review status: criteria provided, single submitter. Criteria: Invitae Variant Classification Sherloc (09022015). Collection method: clinical testing. Allele origin: germline.

Blueprint Genetics
Classification: Benign. Last evaluated: 2024-11-27. Review status: criteria provided, single submitter. Criteria: ACMG Guidelines, 2015. Collection method: clinical testing. Allele origin: germline.

Genome-Nilou Lab
Classification: Benign for Fatal mitochondrial disease due to combined oxidative phosphorylation defect type 3. Last evaluated: 2021-07-10. Review status: criteria provided, single submitter. Criteria: ACMG Guidelines, 2015. Collection method: clinical testing. Allele origin: germline. Affected: no.

Illumina Laboratory Services, Illumina
Classification: Benign for Fatal mitochondrial disease due to combined oxidative phosphorylation defect type 3. Last evaluated: 2018-01-13. Review status: criteria provided, single submitter. Criteria: ICSL Variant Classification Criteria 13 December 2019. Collection method: clinical testing. Allele origin: germline.
Comment: This variant was observed in the ICSL laboratory as part of a predisposition screen in an ostensibly healthy population. It had not been previously curated by ICSL or reported in the Human Gene Mutation Database (HGMD: prior to June 1st, 2018), and was therefore a candidate for classification through an automated scoring system. Utilizing variant allele frequency, disease prevalence and penetrance estimates, and inheritance mode, an automated score was calculated to assess if this variant is too frequent to cause the disease. Based on the score and internal cut-off values, a variant classified as benign is not then subjected to further curation. The score for this variant resulted in a classification of benign for this disease.

GeneDx
Classification: Benign. Last evaluated: 2015-03-03. Review status: criteria provided, single submitter. Criteria: GeneDx Variant Classification Process June 2021. Collection method: clinical testing. Allele origin: germline. Affected: yes.

Breakthrough Genomics
Classification: Benign. Review status: criteria provided, single submitter. Criteria: ACMG Guidelines, 2015. Collection method: not provided. Allele origin: germline. Inheritance: Autosomal recessive inheritance. Affected: yes.

Natera, Inc.
Classification: Benign for Combined oxidative phosphorylation deficiency 3. Last evaluated: 2019-11-19. Review status: no assertion criteria provided. Collection method: clinical testing. Allele origin: germline. Not counted in ClinVar's aggregate classification.

Mayo Clinic Laboratories, Mayo Clinic
Classification: Benign. Last evaluated: 2016-02-22. Review status: no assertion criteria provided. Collection method: clinical testing. Allele origin: unknown. Not counted in ClinVar's aggregate classification.